The following is an entry in ClinVar:

ClinVar aggregate classification (germline): Benign. Review status: criteria provided, multiple submitters, no conflicts (2 of 4 stars). 5 submissions from 5 submitters: Benign (5). Last evaluated 2026-02-04.

Conditions:
Hypertrophic cardiomyopathy. Also called: HYPERTROPHIC MYOCARDIOPATHY. Identifiers: Orphanet 217569, MedGen C0007194, MeSH D002312, MONDO:0005045, HP:0001639.

Allele frequency attached by ClinVar (database versions not stated): ESP Exome Variant Server 0.34133; TOPMed 0.36083; gnomAD 0.36782 and 0.37726; 1000 Genomes Project 30x 0.43036; gnomAD exomes 0.43476 and 0.44395; ExAC 0.43735; 1000 Genomes Project 0.44329.
gnomAD v4.1: 692,321 of 1,612,490 alleles (43%); highest among the groups gnomAD compares: East Asian, 83%; 155,065 homozygotes.

Submissions (5):

Labcorp Genetics (formerly Invitae), Labcorp
Classification: Benign for Hypertrophic cardiomyopathy. Last evaluated: 2026-02-04. Review status: criteria provided, single submitter. Criteria: Invitae Variant Classification Sherloc (09022015). Collection method: clinical testing. Allele origin: germline.

Ambry Genetics
Classification: Benign. Last evaluated: 2019-02-07. Review status: criteria provided, single submitter. Criteria: Ambry Variant Classification Scheme 2023. Collection method: clinical testing. Allele origin: germline.

GeneDx
Classification: Benign. Last evaluated: 2018-06-13. Review status: criteria provided, single submitter. Criteria: GeneDx Variant Classification (06012015). Collection method: clinical testing. Allele origin: germline. Affected: yes.
Comment: This variant is considered likely benign or benign based on one or more of the following criteria: it is a conservative change, it occurs at a poorly conserved position in the protein, it is predicted to be benign by multiple in silico algorithms, and/or has population frequency not consistent with disease.

Laboratory for Molecular Medicine, Mass General Brigham Personalized Medicine
Classification: Benign. Last evaluated: 2014-11-24. Review status: criteria provided, single submitter. Criteria: LMM Criteria. Collection method: clinical testing. Allele origin: germline. Observed: 309 variant alleles.
Comment: Ser181Pro in exon 4 of MYOM1: This variant is not expected to have clinical sign ificance because it has been identified in 41.5% (3467/8348) of European America n chromosomes from a broad population by the NHLBI Exome Sequencing Project (dbSNP rs1962519).

Breakthrough Genomics
Classification: Benign. Review status: criteria provided, single submitter. Criteria: ACMG Guidelines, 2015. Collection method: not provided. Allele origin: germline. Inheritance: Unknown mechanism. Affected: yes.

NM_003803.4(MYOM1):c.541T>C (p.Ser181Pro)

Gene: MYOM1 (myomesin 1; minus strand). Cytogenetic location: 18p11.31.
Variant type: single nucleotide variant.
Coding change: c.541T>C on transcript NM_003803.4 (MANE Select); coding-DNA position 541, T replaced by C.
Protein change: p.Ser181Pro; replaces serine 181 with proline.
Molecular consequence: missense variant.
Genome position (GRCh38, 1-based): chr18:3,188,978, A>G on the plus strand (T>C on the coding strand, the complement: MYOM1 is on the minus strand). VCF-style: chr18-3188978-A-G. GRCh37 (hg19) VCF-style: chr18-3188976-A-G.
Other names: c.541T>C, p.Ser181Pro (NM_019856.2); short protein forms S181P.
Identifiers: ClinVar variation 226830 (VCV000226830.19), dbSNP rs1962519, ClinGen allele CA8875222.